The following is an entry in ClinVar:

NM_183357.3(ADCY5):c.2559+5dup

Gene: ADCY5 (adenylate cyclase 5; minus strand). Cytogenetic location: 3q21.1.
Variant type: Duplication.
Coding change: c.2559+5dup on transcript NM_183357.3 (MANE Select); 5 bases into the intron after coding-DNA position 2559, one base duplicated (G; older notation c.2559+5dupG).
Molecular consequence: intron variant.
Genome position (GRCh38, 1-based): chr3:123,304,062, C duplicated on the plus strand (G on the coding strand, the reverse complement: ADCY5 is on the minus strand); the first of 3 consecutive C bases (chr3:123,304,062-123,304,064); duplicating any one gives the same sequence. VCF-style (leftmost placement, unchanged base first): chr3-123304061-A-AC. GRCh37 (hg19) VCF-style: chr3-123022908-A-AC.
Other names: c.2559+5dup (NM_001378259.1); c.1509+5dup (NM_001199642.1).
Identifiers: ClinVar variation 1410162 (VCV001410162.6), dbSNP rs2108269853, ClinGen allele CA2573136411.

ClinVar aggregate classification (germline): Uncertain significance (1 of 4 stars; one submission).

Submission:

Labcorp Genetics (formerly Invitae), Labcorp
Classification: Uncertain significance. Last evaluated: 2022-02-17. Review status: criteria provided, single submitter. Criteria: Invitae Variant Classification Sherloc (09022015). Collection method: clinical testing. Allele origin: germline.
Comment: In summary, the available evidence is currently insufficient to determine the role of this variant in disease. Therefore, it has been classified as a Variant of Uncertain Significance. Variants that disrupt the consensus splice site are a relatively common cause of aberrant splicing (PMID: 17576681, 9536098). Algorithms developed to predict the effect of sequence changes on RNA splicing suggest that this variant may disrupt the consensus splice site. This variant has been observed in individual(s) with clinical features of autosomal recessive ADCY5-related conditions (Invitae). In at least one individual the data is consistent with being in trans (on the opposite chromosome) from a pathogenic variant. This variant is not present in population databases (gnomAD no frequency). This sequence change falls in intron 13 of the ADCY5 gene. It does not directly change the encoded amino acid sequence of the ADCY5 protein. It affects a nucleotide within the consensus splice site.

Literature cited by the submitters: PubMed 17576681; PubMed 9536098.